The following is an entry in ClinVar:

NM_001365276.2(TNXB):c.2584C>T (p.Arg862Cys)

Gene: TNXB (tenascin XB; minus strand). Cytogenetic location: 6p21.33.
Variant type: single nucleotide variant.
Coding change: c.2584C>T on transcript NM_001365276.2 (MANE Select); coding-DNA position 2584, C replaced by T.
Protein change: p.Arg862Cys; replaces arginine 862 with cysteine.
Molecular consequence: missense variant.
Genome position (GRCh38, 1-based): chr6:32,088,980, G>A on the plus strand (C>T on the coding strand, the complement: TNXB is on the minus strand). VCF-style: chr6-32088980-G-A. GRCh37 (hg19) VCF-style: chr6-32056757-G-A.
Other names: c.2584C>T, p.Arg862Cys (NM_019105.8); short protein forms R862C.
Identifiers: ClinVar variation 1254233 (VCV001254233.7), dbSNP rs570806090, ClinGen allele CA3735452.

ClinVar aggregate classification (germline): Uncertain significance. Review status: criteria provided, multiple submitters, no conflicts (2 of 4 stars). 3 submissions from 3 submitters: Uncertain significance (3). Last evaluated 2024-01-21.

Conditions:
Ehlers-Danlos syndrome (EDS). Identifiers: Orphanet 98249, MedGen C0013720, MONDO:0020066.
Ehlers-Danlos syndrome due to tenascin-X deficiency (EDSCLL1). Also called: TNX DEFICIENCY; TNXB-Related Classical-Like Ehlers-Danlos Syndrome; EDS DUE TO TNX DEFICIENCY; EHLERS-DANLOS SYNDROME, CLASSIC-LIKE; Ehlers-Danlos syndrome, classic-like, 1. Identifiers: Orphanet 230839, MedGen C1848029, MONDO:0011670, OMIM 606408.

Allele frequency attached by ClinVar (database versions not stated): TOPMed 0.00002; gnomAD exomes 0.00004 and 0.00005; gnomAD 0.00008 and 0.00009; ExAC 0.00010; 1000 Genomes Project 0.00020; 1000 Genomes Project 30x 0.00031.
gnomAD v4.1: 69 of 1,610,854 alleles (0.0043%); highest among the groups gnomAD compares: South Asian, 0.0044%; no homozygotes.

Submissions (3):

Baylor Genetics
Classification: Uncertain significance for Ehlers-Danlos syndrome due to tenascin-X deficiency. Last evaluated: 2024-01-21. Review status: criteria provided, single submitter. Criteria: ACMG Guidelines, 2015. Collection method: clinical testing. Allele origin: unknown.

GeneDx
Classification: Uncertain significance. Last evaluated: 2021-06-29. Review status: criteria provided, single submitter. Criteria: GeneDx Variant Classification Process June 2021. Collection method: clinical testing. Allele origin: germline. Affected: yes.
Comment: Has not been previously published as pathogenic or benign to our knowledge; In silico analysis supports that this missense variant has a deleterious effect on protein structure/function; This variant is associated with the following publications: (PMID: 27535533)

Genome Diagnostics Laboratory, The Hospital for Sick Children
Classification: Uncertain significance for Ehlers-Danlos syndrome. Last evaluated: 2020-02-01. Review status: criteria provided, single submitter. Criteria: ACMG Guidelines, 2015. Collection method: clinical testing. Allele origin: germline.